The following is an entry in ClinVar:

NM_001270.4(CHD1):c.3125A>T (p.Asn1042Ile)

Gene: CHD1 (chromodomain helicase DNA binding protein 1; minus strand). Cytogenetic location: 5q15.
Variant type: single nucleotide variant.
Coding change: c.3125A>T on transcript NM_001270.4 (MANE Select); coding-DNA position 3125, A replaced by T.
Protein change: p.Asn1042Ile; replaces asparagine 1042 with isoleucine.
Molecular consequence: missense variant. On other transcripts: non-coding transcript variant (2).
Genome position (GRCh38, 1-based): chr5:98,879,664, T>A on the plus strand (A>T on the coding strand, the complement: CHD1 is on the minus strand). VCF-style: chr5-98879664-T-A. GRCh37 (hg19) VCF-style: chr5-98215368-T-A.
Other names: c.3125A>T, p.Asn1042Ile (NM_001364113.3, NM_001376194.2); short protein forms N1042I.
Identifiers: ClinVar variation 1723832 (VCV001723832.2), dbSNP rs2479520864, ClinGen allele CA360509237.
Genomic context (GRCh38, chr5:98,879,664, plus strand): 5'-TTTTGTCTTTCTTCTTCTTCTAATCGTCTTCTTTGATCTTCTGGAATAATTTCCTCCCAA[T>A]TCTTTGAATTTCTTTCAGGTTCCAACTCAATGTCATCCTCATCCATATTTGAGAAGTTGG-3'
Protein context (NP_001261.2, residues 1032-1052): IELEPERNSK[Asn1042Ile]WEEIIPEDQR

ClinVar aggregate classification (germline): Uncertain significance (1 of 4 stars; one submission).

Submission:

GeneDx
Classification: Uncertain significance. Last evaluated: 2022-05-11. Review status: criteria provided, single submitter. Criteria: GeneDx Variant Classification Process June 2021. Collection method: clinical testing. Allele origin: germline. Affected: yes.
Comment: Not observed at significant frequency in large population cohorts (gnomAD); In silico analysis supports that this missense variant has a deleterious effect on protein structure/function; Has not been previously published as pathogenic or benign to our knowledge